The following is an entry in ClinVar:

NM_000152.5(GAA):c.953T>A (p.Met318Lys)

Gene: GAA (alpha glucosidase; plus strand). Cytogenetic location: 17q25.3.
Variant type: single nucleotide variant.
Coding change: c.953T>A on transcript NM_000152.5 (MANE Select); coding-DNA position 953, T replaced by A.
Protein change: p.Met318Lys; replaces methionine 318 with lysine.
Molecular consequence: missense variant.
Genome position (GRCh38, 1-based): chr17:80,107,894, T>A. VCF-style: chr17-80107894-T-A. GRCh37 (hg19) VCF-style: chr17-78081693-T-A.
Other names: NM_000152.5(GAA):c.953T>A; p.Met318Lys; c.953T>A, p.Met318Lys (NM_001079803.3, NM_001079804.3); c.953T>A (NM_000152.4, LRG_673t1); short protein forms M318K.
Identifiers: ClinVar variation 558700 (VCV000558700.24), dbSNP rs121907936, ClinGen allele CA401364275.

ClinVar aggregate classification (germline): Likely pathogenic. Review status: reviewed by expert panel (3 of 4 stars). 9 submissions from 9 submitters: Likely pathogenic (1). 8 of the submissions do not count toward it. Last evaluated 2026-09-01.

Conditions:
Glycogen storage disease, type II (IOPD). Also called: POMPE DISEASE, INFANTILE-ONSET; GLYCOGEN STORAGE DISEASE II, INFANTILE-ONSET; ACID ALPHA-GLUCOSIDASE DEFICIENCY, INFANTILE-ONSET; GAA DEFICIENCY, INFANTILE-ONSET; ACID MALTASE DEFICIENCY, INFANTILE-ONSET; Glycogen storage disease type 2. Identifiers: Orphanet 365, MedGen C0017921, MONDO:0009290, OMIM 232300.

Submissions (9):

ClinGen Lysosomal Storage Disorder Variant Curation Expert Panel
Classification: Likely pathogenic for Glycogen storage disease, type II. Last evaluated: 2026-09-01. Review status: reviewed by expert panel. Criteria: clingen_lsd_acmg_specifications_v2-1. Collection method: curation. Allele origin: germline. Inheritance: Autosomal recessive inheritance.
Comment: The NM_000152.5:c.953T>A variant in GAA is a missense variant predicted to cause substitution of methionine by lysine at amino acid 318 (p.Met318Lys). At least 3 patients with this variant were diagnosed with Pompe disease and had documented laboratory values showing GAA deficiency with in dried blood spot, or <1% GAA activity in fibroblasts (PMID: 18425781, 21484825, 36237614) (PP4_Moderate). Of those individuals, one was compound heterozygous for the variant and another variant in GAA that has been classified by the ClinGen LD VCEP as pathogenic for Pompe disease, c.1822C>T (p.Arg608Ter); the phase is unknown (PMID 21484825) (0.5 pt), and two patients, assumed to be unrelated, are homozygous for the variant (2 x 0.5 pt). Total 1.5 pts (PM3). This variant is absent from gnomAD v4.1.0. (PM2_Supporting). Expression of the variant in COS cells resulted in 3.2% wild type GAA activity and evidence of abnormal GAA synthesis and processing, leading the variant to be described as Class B (“potentially less severe”), indicating that this variant may impact protein function (PMID 22644586)(PS3_Moderate). The computational predictor REVEL gives a score of 0.926 which is above the threshold of 0.7, evidence that correlates with impact to GAA function (PP3). Another missense variant at the same amino acid position, c.953T>C (p.Met318Thr) (ClinVar Variation ID: 4021) has been classified as pathogenic by the ClinGen LD VCEP (PM5). There is a ClinVar entry for this variant (Variation ID: 558700). In summary, this variant meets the criteria to be classified as likely pathogenic for Pompe disease based on the GAA-specific ACMG/AMP criteria applied, as specified by the ClinGen Lysosomal Diseases Variant Curation Expert Panel (Specifications Version 2.0): PM3, PS3_Moderate, PP4_Moderate, PP3, PM2_Supporting (Classification approved by the ClinGen Lysosomal Diseases Variant Curation Expert Panel on September 1, 2026)

Myriad Genetics, Inc.
Classification: Likely pathogenic for Glycogen storage disease, type II. Last evaluated: 2026-07-10. Review status: criteria provided, single submitter. Criteria: Myriad Autosomal Dominant, Autosomal Recessive and X-Linked Classification Criteria (2023). Collection method: clinical testing. Allele origin: unknown. Not counted in ClinVar's aggregate classification.
Comment: NM_000152.3(GAA):c.953T>A(M318K) is a missense variant classified as likely pathogenic in the context of Pompe disease. M318K has been observed in cases with relevant disease (PMID: 39227307, 21484825, 30076350, 38186848, 18425781). Relevant functional assessments of this variant are available in the literature (PMID: 22644586). M318K has not been observed in referenced population frequency databases. In summary, NM_000152.3(GAA):c.953T>A(M318K) is a missense variant that has functional support for pathogenicity and has been observed more frequently in cases with the relevant disease than in healthy populations. Please note: this variant was assessed in the context of healthy population screening.

Genomenon, Inc
Classification: Likely pathogenic for Glycogen storage disease, type II. Last evaluated: 2026-07-01. Review status: criteria provided, single submitter. Criteria: Genomenon Sequence Variant Interpretation Standards - Updated. Collection method: curation. Allele origin: germline. Affected: yes. Not counted in ClinVar's aggregate classification.
Comment: GAA p.Met318Lys (c.953T>A) is a missense variant that changes the amino acid at codon 318 from Methionine to Lysine. This variant has been observed in at least one proband with a GAA-related disorder in the compound heterozygous and/or homozygous state (PMID:39227307;21484825). At least one functional study has demonstrated a substantial alteration in protein function relative to the wild-type (PMID:22644586). It is absent or not present at a significant frequency in gnomAD. In silico models predict that this variant is possibly or probably damaging. In conclusion, we classify GAA p.Met318Lys (c.953T>A) as a likely pathogenic variant.

Natera, Inc.
Classification: Likely pathogenic for Glycogen storage disease type II. Last evaluated: 2025-11-15. Review status: criteria provided, single submitter. Criteria: Natera Variant Classification Schema (03/2026). Collection method: clinical testing. Allele origin: germline. Not counted in ClinVar's aggregate classification.
Comment: The c.953T>A variant in GAA is a missense variant predicted to cause substitution of methionine to lysine at amino acid 318. This variant is rare in the general population with a frequency below the threshold expected for the associated phenotype(s). This variant has been observed in one or more individuals affected with the associated recessive disease, as either homozygous or compound heterozygous with a second variant (PMID: 21484825, 39227307, 38186848). Additionally, this variant has been observed to segregate in affected family members (PMID: 39227307). Functional studies show that this variant may disrupt protein function (PMID: 22644586). A different variant at the same position has been determined to be Pathogenic or Likely Pathogenic. Computational prediction algorithms indicate this variant is likely to affect gene or protein function. Given the available evidence, this variant is classified as Likely Pathogenic.

Baylor Genetics
Classification: Likely pathogenic for Glycogen storage disease, type II. Last evaluated: 2024-01-28. Review status: criteria provided, single submitter. Criteria: ACMG Guidelines, 2015. Collection method: clinical testing. Allele origin: unknown. Not counted in ClinVar's aggregate classification.

Women's Health and Genetics/Laboratory Corporation of America, LabCorp
Classification: Likely pathogenic for Glycogen storage disease, type II. Last evaluated: 2022-03-18. Review status: criteria provided, single submitter. Criteria: LabCorp Variant Classification Summary - May 2015. Collection method: clinical testing. Allele origin: germline. Not counted in ClinVar's aggregate classification.
Comment: Variant summary: GAA c.953T>A (p.Met318Lys) results in a non-conservative amino acid change located in the Glycoside hydrolase family 31, N-terminal domain (IPR025887) of the encoded protein sequence. Four of five in-silico tools predict a damaging effect of the variant on protein function. 4/4 computational tools predict no significant impact on normal splicing. However, these predictions have yet to be confirmed by functional studies. The variant was absent in 236242 control chromosomes (gnomAD). c.953T>A has been reported in the literature in individuals affected with Glycogen Storage Disease, Type 2 (Pompe Disease database, Kroos_2008, Bali_2011, Sun_2018). These data indicate that the variant may be associated with disease. Kroos_2012 has shown that the variant results in 3.2% enzymatic activity in cell culture. Four ClinVar submitters, including one expert panel, have assessed the variant since 2014: three, including the expert panel, classified the variant as likely pathogenic and one as of uncertain significance. Based on the evidence outlined above, the variant was classified as likely pathogenic.

Genome-Nilou Lab
Classification: Likely pathogenic for Glycogen storage disease, type II. Last evaluated: 2021-07-22. Review status: criteria provided, single submitter. Criteria: ACMG Guidelines, 2015. Collection method: clinical testing. Allele origin: germline. Affected: no. Not counted in ClinVar's aggregate classification.

Labcorp Genetics (formerly Invitae), Labcorp
Classification: Likely pathogenic for Glycogen storage disease, type II. Last evaluated: 2021-01-20. Review status: criteria provided, single submitter. Criteria: Invitae Variant Classification Sherloc (09022015). Collection method: clinical testing. Allele origin: germline. Not counted in ClinVar's aggregate classification.
Comment: This sequence change replaces methionine with lysine at codon 318 of the GAA protein (p.Met318Lys). The methionine residue is moderately conserved and there is a moderate physicochemical difference between methionine and lysine. This variant is not present in population databases (ExAC no frequency). This variant has been observed in combination with another GAA variant in an individual affected with glycogen storage disease (PMID: 21484825). ClinVar contains an entry for this variant (Variation ID: 558700). This variant has been reported to affect GAA protein function (PMID: 22644586). This variant disrupts the p.Met318 amino acid residue in GAA. Other variant(s) that disrupt this residue have been determined to be pathogenic (PMID: 1652892, 29181627, 19862843, 29122469). This suggests that this residue is clinically significant, and that variants that disrupt this residue are likely to be disease-causing. In summary, the currently available evidence indicates that the variant is pathogenic, but additional data are needed to prove that conclusively. Therefore, this variant has been classified as Likely Pathogenic.

Counsyl
Classification: Uncertain significance for Glycogen storage disease, type II. Last evaluated: 2018-06-05. Review status: no assertion criteria provided. Collection method: clinical testing. Allele origin: unknown. Not counted in ClinVar's aggregate classification.

Literature cited by the submitters: PubMed 18425781 (cited by 3 submitters); PubMed 21484825 (cited by 6 submitters); PubMed 22644586 (cited by 6 submitters); PubMed 30076350 (cited by Myriad Genetics, Inc. and Women's Health and Genetics/Laboratory Corporation of America, LabCorp); PubMed 38186848 (cited by Myriad Genetics, Inc. and Natera, Inc.); PubMed 39227307 (cited by 3 submitters); PubMed 1652892 (cited by Labcorp Genetics (formerly Invitae), Labcorp); PubMed 29181627 (cited by Labcorp Genetics (formerly Invitae), Labcorp); PubMed 19862843 (cited by Labcorp Genetics (formerly Invitae), Labcorp); PubMed 29122469 (cited by Labcorp Genetics (formerly Invitae), Labcorp).